The following is an entry in ClinVar:

ClinVar aggregate classification (germline): Benign (1 of 4 stars; one submission).

Allele frequency attached by ClinVar (database versions not stated): 1000 Genomes Project 0.00140; 1000 Genomes Project 30x 0.00156; TOPMed 0.00491; gnomAD 0.00631; gnomAD exomes 0.00912.
gnomAD v4.1: 956 of 152,882 alleles (0.63%); highest among the groups gnomAD compares: Non-Finnish European, 1.1%; 5 homozygotes.

Submission:

CeGaT Center for Human Genetics Tuebingen
Classification: Benign. Last evaluated: 2024-12-01. Review status: criteria provided, single submitter. Criteria: CeGaT Center For Human Genetics Tuebingen Variant Classification Criteria Version 2. Collection method: clinical testing. Allele origin: germline. Affected: yes. Observed: 4 variant alleles.
Comment: MEG3: BS1, BS2

NC_000014.9:g.100858254G>A

Gene: MEG3 (maternally expressed 3; plus strand). Cytogenetic location: 14q32.2.
Variant type: single nucleotide variant.
Genome position: GRCh38 VCF-style: chr14-100858254-G-A. GRCh37 (hg19) VCF-style: chr14-101324591-G-A.
Identifiers: ClinVar variation 2644546 (VCV002644546.24), dbSNP rs111523706, ClinGen allele CA266875750.